The following is an entry in ClinVar:

ClinVar aggregate classification (germline): Uncertain significance (1 of 4 stars; one submission).

Conditions:
Inborn genetic diseases. Identifiers: MedGen C0950123, MeSH D030342.

Submission:

Ambry Genetics
Classification: Uncertain significance for Inborn genetic diseases. Last evaluated: 2025-06-07. Review status: criteria provided, single submitter. Criteria: Ambry Variant Classification Scheme 2023. Collection method: clinical testing. Allele origin: germline.
Comment: The p.E996Q variant (also known as c.2986G>C), located in coding exon 22 of the LTBP3 gene, results from a G to C substitution at nucleotide position 2986. The glutamic acid at codon 996 is replaced by glutamine, an amino acid with highly similar properties. This amino acid position is conserved. In addition, this alteration is predicted to be deleterious by in silico analysis. Based on the available evidence, the clinical significance of this variant remains unclear.

NM_001130144.3(LTBP3):c.2986G>C (p.Glu996Gln)

Genes: LTBP3 (latent transforming growth factor beta binding protein 3; minus strand), LOC121832793 (Sharpr-MPRA regulatory region 4001; plus strand). Cytogenetic location: 11q13.1.
Variant type: single nucleotide variant.
Coding change: c.2986G>C on transcript NM_001130144.3 (MANE Select); coding-DNA position 2986, G replaced by C.
Protein change: p.Glu996Gln; replaces glutamic acid 996 with glutamine.
Molecular consequence: missense variant.
Genome position (GRCh38, 1-based): chr11:65,540,606, C>G on the plus strand (G>C on the coding strand, the complement: LTBP3 is on the minus strand). VCF-style: chr11-65540606-C-G. GRCh37 (hg19) VCF-style: chr11-65308077-C-G.
Other names: c.2635G>C, p.Glu879Gln (NM_001164266.1); c.2986G>C, p.Glu996Gln (NM_021070.4); short protein forms E879Q, E996Q.
Identifiers: ClinVar variation 4049887 (VCV004049887.1).
Genomic context (GRCh38, chr11:65,540,606, plus strand): 5'-CAGGCTGCGTGTTCACGCACTTGCCCTCCTTGCAAATCTCCGACCCGAACAACATGCACT[C>G]GTCGATGTCTGCGGGGTGACAAACACTGGCCGCTCCGGTCCCGCAGCTGCAGCCCGGAGG-3'
Protein context (NP_001123616.1, residues 986-1006): YGIPAHRDID[Glu996Gln]CMLFGSEICK